The following is an entry in ClinVar:

ClinVar aggregate classification (germline): Uncertain significance (1 of 4 stars; one submission).

Conditions:
PLXNA3-related disorder. Also called: PLXNA3-related condition.

Submission:

PreventionGenetics, part of Exact Sciences
Classification: Uncertain significance for PLXNA3-related condition. Last evaluated: 2026-01-13. Review status: criteria provided, single submitter. Criteria: ACMG Guidelines, 2015. Collection method: clinical testing. Allele origin: germline.
Comment: The PLXNA3 c.2650delA variant is predicted to result in a frameshift and premature protein termination (p.Ile884Phefs*50). To our knowledge, this variant has not been reported in the literature or in a large population database (gnomAD), indicating this variant is rare. Loss of function is not an established mechanism of disease for PLXNA3. At this time, the clinical significance of this variant is uncertain due to the absence of conclusive functional and genetic evidence.

NM_017514.5(PLXNA3):c.2650del (p.Ile884fs)

Gene: PLXNA3 (plexin A3; plus strand). Cytogenetic location: Xq28.
Variant type: Deletion.
Coding change: c.2650del on transcript NM_017514.5 (MANE Select); coding-DNA position 2650, one base deleted (A; older notation c.2650delA).
Protein change: p.Ile884fs; shifts the reading frame from isoleucine 884.
Molecular consequence: frameshift variant.
Genome position (GRCh38, 1-based): chrX:154,466,052, A deleted. VCF-style (leftmost placement, unchanged base first): chrX-154466051-CA-C. GRCh37 (hg19) VCF-style: chrX-153694394-CA-C.
Other names: short protein forms I884fs.
Identifiers: ClinVar variation 4993325 (VCV004993325.1).